The following is an entry in ClinVar:

ClinVar aggregate classification (germline): Uncertain significance. Review status: criteria provided, multiple submitters, no conflicts (2 of 4 stars). 2 submissions from 2 submitters: Uncertain significance (2). Last evaluated 2025-02-18.

Conditions:
Inborn genetic diseases. Identifiers: MedGen C0950123, MeSH D030342.

Allele frequency attached by ClinVar (database versions not stated): TOPMed below 0.00001.
gnomAD v4.1: 3 of 1,608,688 alleles (0.00019%); highest among the groups gnomAD compares: Admixed American, 0.0033%; no homozygotes.

Submissions (2):

Ambry Genetics
Classification: Uncertain significance for Inborn genetic diseases. Last evaluated: 2025-02-18. Review status: criteria provided, single submitter. Criteria: Ambry Variant Classification Scheme 2023. Collection method: clinical testing. Allele origin: germline.

Labcorp Genetics (formerly Invitae), Labcorp
Classification: Uncertain significance. Last evaluated: 2023-10-04. Review status: criteria provided, single submitter. Criteria: Invitae Variant Classification Sherloc (09022015). Collection method: clinical testing. Allele origin: germline.
Comment: This sequence change replaces proline, which is neutral and non-polar, with leucine, which is neutral and non-polar, at codon 832 of the COL4A2 protein (p.Pro832Leu). This variant is present in population databases (no rsID available, gnomAD 0.006%). This variant has not been reported in the literature in individuals affected with COL4A2-related conditions. ClinVar contains an entry for this variant (Variation ID: 2042201). Advanced modeling of protein sequence and biophysical properties (such as structural, functional, and spatial information, amino acid conservation, physicochemical variation, residue mobility, and thermodynamic stability) performed at Invitae indicates that this missense variant is not expected to disrupt COL4A2 protein function. In summary, the available evidence is currently insufficient to determine the role of this variant in disease. Therefore, it has been classified as a Variant of Uncertain Significance.

NM_001846.4(COL4A2):c.2495C>T (p.Pro832Leu)

Gene: COL4A2 (collagen type IV alpha 2 chain; plus strand). Cytogenetic location: 13q34.
Variant type: single nucleotide variant.
Coding change: c.2495C>T on transcript NM_001846.4 (MANE Select); coding-DNA position 2495, C replaced by T.
Protein change: p.Pro832Leu; replaces proline 832 with leucine.
Molecular consequence: missense variant.
Genome position (GRCh38, 1-based): chr13:110,478,072, C>T. VCF-style: chr13-110478072-C-T. GRCh37 (hg19) VCF-style: chr13-111130419-C-T.
Other names: c.2495C>T (NM_001846.2); short protein forms P832L.
Identifiers: ClinVar variation 2042201 (VCV002042201.5), dbSNP rs1450159508, ClinGen allele CA388725915.
Genomic context (GRCh38, chr13:110,478,072, plus strand): 5'-GGATGCCTGGGATGCCAGGGCTGAAGGGCCAGCCAGGCCTCCCAGGACCTTCCGGCCAGC[C>T]AGGCCTGTATGGGCCTCCAGGACTGCATGGATTCCCAGGAGCTCCTGGCCAAGAGGGGCC-3'
Protein context (NP_001837.2, residues 822-842): QPGLPGPSGQ[Pro832Leu]GLYGPPGLHG